The following is an entry in ClinVar:

ClinVar aggregate classification (germline): Likely benign. Review status: criteria provided, multiple submitters, no conflicts (2 of 4 stars). 2 submissions from 2 submitters: Likely benign (2). Last evaluated 2025-04-20.

Conditions:
Nemaline myopathy 9 (NEM9). Identifiers: MedGen C3810384, MONDO:0014326, OMIM 615731.

Allele frequency attached by ClinVar (database versions not stated): TOPMed 0.00003; ExAC 0.00005; gnomAD 0.00005; gnomAD exomes 0.00005.
gnomAD v4.1: 81 of 1,614,022 alleles (0.005%); highest among the groups gnomAD compares: Middle Eastern, 0.016%; no homozygotes.

Submissions (2):

Labcorp Genetics (formerly Invitae), Labcorp
Classification: Likely benign for Nemaline myopathy 9. Last evaluated: 2025-04-20. Review status: criteria provided, single submitter. Criteria: Invitae Variant Classification Sherloc (09022015). Collection method: clinical testing. Allele origin: germline.

CeGaT Center for Human Genetics Tuebingen
Classification: Likely benign. Last evaluated: 2023-02-01. Review status: criteria provided, single submitter. Criteria: CeGaT Center For Human Genetics Tuebingen Variant Classification Criteria Version 2. Collection method: clinical testing. Allele origin: germline. Affected: yes. Observed: 1 variant allele.
Comment: KLHL41: BP4, BP7

NM_006063.3(KLHL41):c.453C>A (p.Ala151=)

Gene: KLHL41 (kelch like family member 41; plus strand). Cytogenetic location: 2q31.1.
Variant type: single nucleotide variant.
Coding change: c.453C>A on transcript NM_006063.3 (MANE Select); coding-DNA position 453, C replaced by A.
Protein change: p.Ala151=; no amino-acid change (alanine 151 retained).
Molecular consequence: synonymous variant.
Genome position (GRCh38, 1-based): chr2:169,510,231, C>A. VCF-style: chr2-169510231-C-A. GRCh37 (hg19) VCF-style: chr2-170366741-C-A.
Identifiers: ClinVar variation 2190200 (VCV002190200.28), dbSNP rs201642274, ClinGen allele CA1956505.